The following is an entry in ClinVar:

ClinVar aggregate classification (germline): Benign/Likely benign. Review status: criteria provided, multiple submitters, no conflicts (2 of 4 stars). 6 submissions from 6 submitters: Benign (1); Likely benign (5). Last evaluated 2026-05-18.

Conditions:
Hereditary cancer-predisposing syndrome. Also called: Tumor predisposition; Hereditary neoplastic syndrome; Hereditary Cancer Syndrome; Neoplastic Syndromes, Hereditary. Identifiers: Orphanet 140162, MedGen C0027672, MeSH D009386, MONDO:0015356.
Cardiovascular phenotype. Identifiers: MedGen CN230736.
Neurofibromatosis, type 1 (NF1). Also called: Neurofibromatosis, type I; VON RECKLINGHAUSEN DISEASE; Peripheral type neurofibromatosis; NEUROFIBROMATOSIS, TYPE I, SOMATIC. Identifiers: Orphanet 636, MedGen C0027831, MONDO:0018975, OMIM 162200. Disease mechanism: loss of function.

gnomAD v4.1: 5 of 1,613,944 alleles (0.00031%); highest among the groups gnomAD compares: Non-Finnish European, 0.00042%; no homozygotes.

Submissions (6):

Myriad Genetics, Inc.
Classification: Benign for Neurofibromatosis, type 1. Last evaluated: 2026-05-18. Review status: criteria provided, single submitter. Criteria: Myriad Autosomal Dominant, Autosomal Recessive and X-Linked Classification Criteria (2023). Collection method: clinical testing. Allele origin: unknown.
Comment: This variant is considered benign. This variant is a silent/synonymous amino acid change and it is not expected to impact splicing.

CeGaT Center for Human Genetics Tuebingen
Classification: Likely benign. Last evaluated: 2026-03-01. Review status: criteria provided, single submitter. Criteria: CeGaT Center For Human Genetics Tuebingen Variant Classification Criteria Version 2. Collection method: clinical testing. Allele origin: germline. Affected: yes. Observed: 1 variant allele.
Comment: NF1: BP4, BP7

Labcorp Genetics (formerly Invitae), Labcorp
Classification: Likely benign for Neurofibromatosis, type 1. Last evaluated: 2025-07-27. Review status: criteria provided, single submitter. Criteria: Invitae Variant Classification Sherloc (09022015). Collection method: clinical testing. Allele origin: germline.

Genome-Nilou Lab
Classification: Likely benign for Neurofibromatosis, type 1. Last evaluated: 2022-03-15. Review status: criteria provided, single submitter. Criteria: ACMG Guidelines, 2015. Collection method: clinical testing. Allele origin: germline. Affected: no.

Sema4
Classification: Likely benign for Hereditary cancer-predisposing syndrome. Last evaluated: 2022-02-07. Review status: criteria provided, single submitter. Criteria: Sema4 Curation Guidelines. Collection method: curation. Allele origin: germline.

Ambry Genetics
Classification: Likely benign for Cardiovascular phenotype; Hereditary cancer-predisposing syndrome. Last evaluated: 2018-06-08. Review status: criteria provided, single submitter. Criteria: Ambry Variant Classification Scheme 2023. Collection method: clinical testing. Allele origin: germline.

NM_001042492.3(NF1):c.2694G>C (p.Leu898=)

Gene: NF1 (neurofibromin 1; plus strand). Cytogenetic location: 17q11.2.
Variant type: single nucleotide variant.
Coding change: c.2694G>C on transcript NM_001042492.3 (MANE Select); coding-DNA position 2694, G replaced by C.
Protein change: p.Leu898=; no amino-acid change (leucine 898 retained).
Molecular consequence: synonymous variant.
Genome position (GRCh38, 1-based): chr17:31,229,309, G>C. VCF-style: chr17-31229309-G-C. GRCh37 (hg19) VCF-style: chr17-29556327-G-C.
Other names: c.2694G>C, p.Leu898= (NM_000267.4).
Identifiers: ClinVar variation 413038 (VCV000413038.20), dbSNP rs1060503923, ClinGen allele CA16615186.